The following is an entry in ClinVar:

ClinVar aggregate classification (germline): Uncertain significance. Review status: criteria provided, multiple submitters, no conflicts (2 of 4 stars). 3 submissions from 3 submitters: Uncertain significance (3). Last evaluated 2025-09-07.

Conditions:
POLD1-related polyposis and colorectal cancer syndrome (CRCS10). Also called: Colorectal cancer, susceptibility to, 10; Colorectal cancer 10; COLORECTAL CANCER, SUSCEPTIBILITY TO, ON CHROMOSOME 19q. Identifiers: Orphanet 220460, MedGen C2675481, MONDO:0012953, OMIM 612591.
Hereditary cancer-predisposing syndrome. Also called: Tumor predisposition; Hereditary Cancer Syndrome; Hereditary neoplastic syndrome; Neoplastic Syndromes, Hereditary. Identifiers: Orphanet 140162, MedGen C0027672, MeSH D009386, MONDO:0015356.

Allele frequency attached by ClinVar (database versions not stated): 1000 Genomes Project 0.00020; gnomAD 0.00001; 1000 Genomes Project 30x 0.00016; ExAC 0.00001.

Submissions (3):

Ambry Genetics
Classification: Uncertain significance for Hereditary cancer-predisposing syndrome. Last evaluated: 2025-09-07. Review status: criteria provided, single submitter. Criteria: Ambry Variant Classification Scheme 2023. Collection method: clinical testing. Allele origin: germline.
Comment: The p.E1093G variant (also known as c.3278A>G), located in coding exon 26 of the POLD1 gene, results from an A to G substitution at nucleotide position 3278. The glutamic acid at codon 1093 is replaced by glycine, an amino acid with similar properties. This amino acid position is conserved. In addition, this alteration is predicted to be tolerated by in silico analysis. Based on the available evidence, the clinical significance of this variant remains unclear.

Labcorp Genetics (formerly Invitae), Labcorp
Classification: Uncertain significance for POLD1-related polyposis and colorectal cancer syndrome. Last evaluated: 2023-12-12. Review status: criteria provided, single submitter. Criteria: Invitae Variant Classification Sherloc (09022015). Collection method: clinical testing. Allele origin: germline.
Comment: This sequence change replaces glutamic acid, which is acidic and polar, with glycine, which is neutral and non-polar, at codon 1093 of the POLD1 protein (p.Glu1093Gly). This variant is not present in population databases (gnomAD no frequency). This variant has not been reported in the literature in individuals affected with POLD1-related conditions. ClinVar contains an entry for this variant (Variation ID: 1307317). Advanced modeling of protein sequence and biophysical properties (such as structural, functional, and spatial information, amino acid conservation, physicochemical variation, residue mobility, and thermodynamic stability) performed at Invitae indicates that this missense variant is not expected to disrupt POLD1 protein function with a negative predictive value of 80%. In summary, the available evidence is currently insufficient to determine the role of this variant in disease. Therefore, it has been classified as a Variant of Uncertain Significance.

GeneDx
Classification: Uncertain significance. Last evaluated: 2019-07-22. Review status: criteria provided, single submitter. Criteria: GeneDx Variant Classification Process June 2021. Collection method: clinical testing. Allele origin: germline. Affected: yes.
Comment: Not observed in large population cohorts (Lek et al., 2016); Has not been previously published as pathogenic or benign to our knowledge

NM_002691.4(POLD1):c.3278A>G (p.Glu1093Gly)

Gene: POLD1 (DNA polymerase delta 1, catalytic subunit; plus strand). Cytogenetic location: 19q13.33.
Variant type: single nucleotide variant.
Coding change: c.3278A>G on transcript NM_002691.4 (MANE Select); coding-DNA position 3278, A replaced by G.
Protein change: p.Glu1093Gly; replaces glutamic acid 1093 with glycine.
Molecular consequence: missense variant. On other transcripts: non-coding transcript variant (1).
Genome position (GRCh38, 1-based): chr19:50,417,901, A>G. VCF-style: chr19-50417901-A-G. GRCh37 (hg19) VCF-style: chr19-50921158-A-G.
Other names: c.3278A>G, p.Glu1093Gly (NM_001256849.1); c.3356A>G, p.Glu1119Gly (NM_001308632.1); c.3278A>G (NM_002691.2); short protein forms E1093G, E1119G.
Identifiers: ClinVar variation 1307317 (VCV001307317.6), dbSNP rs527887852, ClinGen allele CA9596836.